The following is an entry in ClinVar:

NM_000814.6(GABRB3):c.778C>A (p.Leu260Met)

Gene: GABRB3 (gamma-aminobutyric acid type A receptor subunit beta3; minus strand). Cytogenetic location: 15q12.
Variant type: single nucleotide variant.
Coding change: c.778C>A on transcript NM_000814.6 (MANE Select); coding-DNA position 778, C replaced by A.
Protein change: p.Leu260Met; replaces leucine 260 with methionine.
Molecular consequence: missense variant.
Genome position (GRCh38, 1-based): chr15:26,567,638, G>T on the plus strand (C>A on the coding strand, the complement: GABRB3 is on the minus strand). VCF-style: chr15-26567638-G-T. GRCh37 (hg19) VCF-style: chr15-26812785-G-T.
Other names: c.523C>A, p.Leu175Met (NM_001191320.2, NM_001278631.2); c.565C>A, p.Leu189Met (NM_001191321.3); c.778C>A, p.Leu260Met (NM_021912.5); short protein forms L189M, L175M, L260M.
Identifiers: ClinVar variation 2948992 (VCV002948992.3), dbSNP rs2140696722, ClinGen allele CA391463174.
Genomic context (GRCh38, chr15:26,567,638, plus strand): 5'-TACCGAGGGCAACTCTAGCAGCAGATGCATCATAATTGATCCAGAAGGACACCCACGACA[G>T]AATCGTTATCAGTATAGAGGGCATATAAGTCTGAAGAATGAAGTATCCAATGTTCCTCTT-3'
Protein context (NP_000805.1, residues 250-270): TYMPSILITI[Leu260Met]SWVSFWINYD

ClinVar aggregate classification (germline): Uncertain significance (1 of 4 stars; one submission).

Conditions:
Epilepsy, childhood absence, susceptibility to, 1. Also called: Epilepsy, childhood absence 1. Identifiers: Orphanet 64280, MedGen C1838604, MONDO:0020759, OMIM 600131.
Epilepsy, childhood absence, susceptibility to, 5. Identifiers: Orphanet 64280, MedGen C2677087, MONDO:0012843, OMIM 612269.

Submission:

Labcorp Genetics (formerly Invitae), Labcorp
Classification: Uncertain significance for Epilepsy, childhood absence, susceptibility to, 5; Epilepsy, childhood absence, susceptibility to, 1. Last evaluated: 2023-06-18. Review status: criteria provided, single submitter. Criteria: Invitae Variant Classification Sherloc (09022015). Collection method: clinical testing. Allele origin: germline.
Comment: This sequence change replaces leucine, which is neutral and non-polar, with methionine, which is neutral and non-polar, at codon 260 of the GABRB3 protein (p.Leu260Met). This variant is not present in population databases (gnomAD no frequency). This variant has not been reported in the literature in individuals affected with GABRB3-related conditions. Advanced modeling of protein sequence and biophysical properties (such as structural, functional, and spatial information, amino acid conservation, physicochemical variation, residue mobility, and thermodynamic stability) performed at Invitae indicates that this missense variant is expected to disrupt GABRB3 protein function. In summary, the available evidence is currently insufficient to determine the role of this variant in disease. Therefore, it has been classified as a Variant of Uncertain Significance.